The following is an entry in ClinVar:

NM_006517.5(SLC16A2):c.1531G>A (p.Asp511Asn)

Gene: SLC16A2 (solute carrier family 16 member 2; plus strand). Cytogenetic location: Xq13.2.
Variant type: single nucleotide variant.
Coding change: c.1531G>A on transcript NM_006517.5 (MANE Select); coding-DNA position 1531, G replaced by A.
Protein change: p.Asp511Asn; replaces aspartic acid 511 with asparagine.
Molecular consequence: missense variant.
Genome position (GRCh38, 1-based): chrX:74,531,464, G>A. VCF-style: chrX-74531464-G-A. GRCh37 (hg19) VCF-style: chrX-73751299-G-A.
Other names: short protein forms D511N.
Identifiers: ClinVar variation 3649961 (VCV003649961.2).

ClinVar aggregate classification (germline): Uncertain significance (1 of 4 stars; one submission).

Conditions:
Spastic paraplegia. Identifiers: MedGen C0037772, HP:0001258.

Submission:

Labcorp Genetics (formerly Invitae), Labcorp
Classification: Uncertain significance for Spastic paraplegia. Last evaluated: 2024-04-15. Review status: criteria provided, single submitter. Criteria: Invitae Variant Classification Sherloc (09022015). Collection method: clinical testing. Allele origin: germline.
Comment: This sequence change replaces aspartic acid, which is acidic and polar, with asparagine, which is neutral and polar, at codon 511 of the SLC16A2 protein (p.Asp511Asn). This variant is not present in population databases (gnomAD no frequency). This variant has not been reported in the literature in individuals affected with SLC16A2-related conditions. Advanced modeling of protein sequence and biophysical properties (such as structural, functional, and spatial information, amino acid conservation, physicochemical variation, residue mobility, and thermodynamic stability) performed at Invitae indicates that this missense variant is not expected to disrupt SLC16A2 protein function with a negative predictive value of 80%. In summary, the available evidence is currently insufficient to determine the role of this variant in disease. Therefore, it has been classified as a Variant of Uncertain Significance.